The following is an entry in ClinVar:

ClinVar aggregate classification (germline): Uncertain significance (1 of 4 stars; one submission).

Conditions:
Inborn genetic diseases. Identifiers: MedGen C0950123, MeSH D030342.

Submission:

Ambry Genetics
Classification: Uncertain significance for Inborn genetic diseases. Last evaluated: 2025-07-12. Review status: criteria provided, single submitter. Criteria: Ambry Variant Classification Scheme 2023. Collection method: clinical testing. Allele origin: germline.
Comment: The p.E65D variant (also known as c.195A>T), located in coding exon 3 of the BUB1B gene, results from an A to T substitution at nucleotide position 195. The glutamic acid at codon 65 is replaced by aspartic acid, an amino acid with highly similar properties. This amino acid position is conserved. In addition, this alteration is predicted to be tolerated by in silico analysis. Based on the available evidence, the clinical significance of this variant remains unclear.

NM_001211.6(BUB1B):c.195A>T (p.Glu65Asp)

Gene: BUB1B (BUB1 mitotic checkpoint serine/threonine kinase B; plus strand). Cytogenetic location: 15q15.1.
Variant type: single nucleotide variant.
Coding change: c.195A>T on transcript NM_001211.6 (MANE Select); coding-DNA position 195, A replaced by T.
Protein change: p.Glu65Asp; replaces glutamic acid 65 with aspartic acid.
Molecular consequence: missense variant.
Genome position (GRCh38, 1-based): chr15:40,170,077, A>T. VCF-style: chr15-40170077-A-T. GRCh37 (hg19) VCF-style: chr15-40462278-A-T.
Other names: short protein forms E65D.
Identifiers: ClinVar variation 4216945 (VCV004216945.1).